The following is an entry in ClinVar:

ClinVar aggregate classification (germline): Uncertain significance. Review status: criteria provided, multiple submitters, no conflicts (2 of 4 stars). 2 submissions from 2 submitters: Uncertain significance (2). Last evaluated 2024-03-12.

gnomAD v4.1: 78 of 1,614,074 alleles (0.0048%); highest among the groups gnomAD compares: South Asian, 0.015%; 1 homozygote.

Submissions (2):

Revvity Omics, Revvity
Classification: Uncertain significance. Last evaluated: 2024-03-12. Review status: criteria provided, single submitter. Criteria: ACMG Guidelines, 2015. Collection method: clinical testing. Allele origin: germline.

Mayo Clinic Laboratories, Mayo Clinic
Classification: Uncertain significance. Last evaluated: 2023-09-25. Review status: criteria provided, single submitter. Criteria: ACMG Guidelines, 2015. Collection method: clinical testing. Allele origin: germline. Observed: 2 variant alleles.
Comment: BP4, PM2_moderate

NM_003126.4(SPTA1):c.5204G>A (p.Arg1735Gln)

Gene: SPTA1 (spectrin alpha, erythrocytic 1; minus strand). Cytogenetic location: 1q23.1.
Variant type: single nucleotide variant.
Coding change: c.5204G>A on transcript NM_003126.4 (MANE Select); coding-DNA position 5204, G replaced by A.
Protein change: p.Arg1735Gln; replaces arginine 1735 with glutamine.
Molecular consequence: missense variant.
Genome position (GRCh38, 1-based): chr1:158,636,747, C>T on the plus strand (G>A on the coding strand, the complement: SPTA1 is on the minus strand). VCF-style: chr1-158636747-C-T. GRCh37 (hg19) VCF-style: chr1-158606537-C-T.
Other names: p.Arg1735Gln; short protein forms R1735Q.
Identifiers: ClinVar variation 3380007 (VCV003380007.2).